The following is an entry in ClinVar:

NM_020928.2(ZSWIM6):c.1845C>G (p.Pro615=)

Gene: ZSWIM6 (zinc finger SWIM-type containing 6; plus strand). Cytogenetic location: 5q12.1.
Variant type: single nucleotide variant.
Coding change: c.1845C>G on transcript NM_020928.2 (MANE Select); coding-DNA position 1845, C replaced by G.
Protein change: p.Pro615=; no amino-acid change (proline 615 retained).
Molecular consequence: synonymous variant.
Genome position (GRCh38, 1-based): chr5:61,530,059, C>G. VCF-style: chr5-61530059-C-G. GRCh37 (hg19) VCF-style: chr5-60825886-C-G.
Identifiers: ClinVar variation 3771802 (VCV003771802.13).

ClinVar aggregate classification (germline): Likely benign (1 of 4 stars; one submission).

gnomAD v4.1: 1 of 1,550,792 alleles (0.000064%); no homozygotes.

Submission:

CeGaT Center for Human Genetics Tuebingen
Classification: Likely benign. Last evaluated: 2024-12-01. Review status: criteria provided, single submitter. Criteria: CeGaT Center For Human Genetics Tuebingen Variant Classification Criteria Version 2. Collection method: clinical testing. Allele origin: germline. Affected: yes. Observed: 1 variant allele.
Comment: ZSWIM6: BP4, BP7